The following is an entry in ClinVar:

NM_007254.4(PNKP):c.1558G>A (p.Glu520Lys)

Gene: PNKP (polynucleotide kinase 3'-phosphatase; minus strand). Cytogenetic location: 19q13.33.
Variant type: single nucleotide variant.
Coding change: c.1558G>A on transcript NM_007254.4 (MANE Select); coding-DNA position 1558, G replaced by A.
Protein change: p.Glu520Lys; replaces glutamic acid 520 with lysine.
Molecular consequence: missense variant.
Genome position (GRCh38, 1-based): chr19:49,861,256, C>T on the plus strand (G>A on the coding strand, the complement: PNKP is on the minus strand). VCF-style: chr19-49861256-C-T. GRCh37 (hg19) VCF-style: chr19-50364513-C-T.
Other names: short protein forms E520K.
Identifiers: ClinVar variation 652822 (VCV000652822.6), dbSNP rs770823063, ClinGen allele CA406932358.

ClinVar aggregate classification (germline): Uncertain significance (1 of 4 stars; one submission).

Conditions:
Developmental and epileptic encephalopathy, 12 (DEE12). Identifiers: MedGen C3150988, MONDO:0013389, OMIM 613722.

gnomAD v4.1: 3 of 1,601,000 alleles (0.00019%); highest among the groups gnomAD compares: Non-Finnish European, 0.00026%; no homozygotes.

Submission:

Labcorp Genetics (formerly Invitae), Labcorp
Classification: Uncertain significance for Developmental and epileptic encephalopathy, 12. Last evaluated: 2022-06-04. Review status: criteria provided, single submitter. Criteria: Invitae Variant Classification Sherloc (09022015). Collection method: clinical testing. Allele origin: germline.
Comment: This sequence change replaces glutamic acid, which is acidic and polar, with lysine, which is basic and polar, at codon 520 of the PNKP protein (p.Glu520Lys). This variant is not present in population databases (gnomAD no frequency). This variant has not been reported in the literature in individuals affected with PNKP-related conditions. ClinVar contains an entry for this variant (Variation ID: 652822). Algorithms developed to predict the effect of missense changes on protein structure and function (SIFT, PolyPhen-2, Align-GVGD) all suggest that this variant is likely to be tolerated. In summary, the available evidence is currently insufficient to determine the role of this variant in disease. Therefore, it has been classified as a Variant of Uncertain Significance.